The following is an entry in ClinVar:

ClinVar aggregate classification (germline): Uncertain significance (1 of 4 stars; one submission).

Submission:

GeneDx
Classification: Uncertain significance. Last evaluated: 2024-07-29. Review status: criteria provided, single submitter. Criteria: GeneDx Variant Classification Process June 2021. Collection method: clinical testing. Allele origin: germline. Affected: yes.
Comment: Not observed at significant frequency in large population cohorts (gnomAD); In silico analysis supports that this missense variant has a deleterious effect on protein structure/function; Has not been previously published as pathogenic or benign to our knowledge

NM_015215.4(CAMTA1):c.1163C>A (p.Ser388Tyr)

Gene: CAMTA1 (calmodulin binding transcription activator 1; plus strand). Cytogenetic location: 1p36.23.
Variant type: single nucleotide variant.
Coding change: c.1163C>A on transcript NM_015215.4 (MANE Select); coding-DNA position 1163, C replaced by A.
Protein change: p.Ser388Tyr; replaces serine 388 with tyrosine.
Molecular consequence: missense variant.
Genome position (GRCh38, 1-based): chr1:7,663,710, C>A. VCF-style: chr1-7663710-C-A. GRCh37 (hg19) VCF-style: chr1-7723770-C-A.
Other names: c.1073C>A, p.Ser358Tyr (NM_001349608.2, NM_001349612.2); c.1163C>A, p.Ser388Tyr (NM_001349609.2, NM_001349610.2, NM_001410737.1); c.1091C>A, p.Ser364Tyr (NM_001410738.1); short protein forms S358Y, S364Y, S388Y.
Identifiers: ClinVar variation 3602356 (VCV003602356.1).